The following is an entry in ClinVar:

ClinVar aggregate classification (germline): Uncertain significance (0 of 4 stars; one submission).

Conditions:
PLXNA4-related disorder. Also called: PLXNA4-related condition.

Allele frequency attached by ClinVar (database versions not stated): TOPMed 0.00003; ExAC 0.00005; gnomAD 0.00005; gnomAD exomes 0.00007; ESP Exome Variant Server 0.00008; 1000 Genomes Project 30x 0.00016; 1000 Genomes Project 0.00020.
gnomAD v4.1: 116 of 1,614,050 alleles (0.0072%); highest among the groups gnomAD compares: Non-Finnish European, 0.0082%; no homozygotes.

Submission:

PreventionGenetics, part of Exact Sciences
Classification: Uncertain significance for PLXNA4-related condition. Last evaluated: 2023-11-01. Review status: no assertion criteria provided. Collection method: clinical testing. Allele origin: germline.
Comment: The PLXNA4 c.923G>A variant is predicted to result in the amino acid substitution p.Arg308His. To our knowledge, this variant has not been reported in the literature. This variant is reported in 0.015% of alleles in individuals of East Asian descent in gnomAD. At this time, the clinical significance of this variant is uncertain due to the absence of conclusive functional and genetic evidence.

NM_020911.2(PLXNA4):c.923G>A (p.Arg308His)

Gene: PLXNA4 (plexin A4; minus strand). Cytogenetic location: 7q32.3.
Variant type: single nucleotide variant.
Coding change: c.923G>A on transcript NM_020911.2 (MANE Select); coding-DNA position 923, G replaced by A.
Protein change: p.Arg308His; replaces arginine 308 with histidine.
Molecular consequence: missense variant.
Genome position (GRCh38, 1-based): chr7:132,507,771, C>T on the plus strand (G>A on the coding strand, the complement: PLXNA4 is on the minus strand). VCF-style: chr7-132507771-C-T. GRCh37 (hg19) VCF-style: chr7-132192530-C-T.
Other names: c.923G>A, p.Arg308His (NM_001105543.2, NM_001393897.1, NM_181775.4); short protein forms R308H.
Identifiers: ClinVar variation 3036586 (VCV003036586.2), dbSNP rs149257060, ClinGen allele CA4490418.